The following is an entry in ClinVar:

ClinVar aggregate classification (germline): Likely benign. Review status: criteria provided, multiple submitters, no conflicts (2 of 4 stars). 3 submissions from 3 submitters: Likely benign (2). 1 of the submissions does not count toward it. Last evaluated 2025-10-06.

Conditions:
TBC1D20-related disorder. Also called: TBC1D20-related condition.

Allele frequency attached by ClinVar (database versions not stated): gnomAD exomes 0.00011; 1000 Genomes Project 30x 0.00016; ExAC 0.00016; 1000 Genomes Project 0.00020; ESP Exome Variant Server 0.00046; TOPMed 0.00046; gnomAD 0.00051 and 0.00055.

Submissions (3):

Labcorp Genetics (formerly Invitae), Labcorp
Classification: Likely benign. Last evaluated: 2025-10-06. Review status: criteria provided, single submitter. Criteria: Invitae Variant Classification Sherloc (09022015). Collection method: clinical testing. Allele origin: germline.

GeneDx
Classification: Likely benign. Last evaluated: 2020-06-08. Review status: criteria provided, single submitter. Criteria: GeneDx Variant Classification Process June 2021. Collection method: clinical testing. Allele origin: germline. Affected: yes.

PreventionGenetics, part of Exact Sciences
Classification: Likely benign for TBC1D20-related condition. Last evaluated: 2022-08-10. Review status: no assertion criteria provided. Collection method: clinical testing. Allele origin: germline. Not counted in ClinVar's aggregate classification.
Comment: This variant is classified as likely benign based on ACMG/AMP sequence variant interpretation guidelines (Richards et al. 2015 PMID: 25741868, with internal and published modifications).

NM_144628.4(TBC1D20):c.1008G>A (p.Arg336=)

Gene: TBC1D20 (TBC1 domain family member 20; minus strand). Cytogenetic location: 20p13.
Variant type: single nucleotide variant.
Coding change: c.1008G>A on transcript NM_144628.4 (MANE Select); coding-DNA position 1008, G replaced by A.
Protein change: p.Arg336=; no amino-acid change (arginine 336 retained).
Molecular consequence: synonymous variant. On other transcripts: non-coding transcript variant (1).
Genome position (GRCh38, 1-based): chr20:438,790, C>T on the plus strand (G>A on the coding strand, the complement: TBC1D20 is on the minus strand). VCF-style: chr20-438790-C-T. GRCh37 (hg19) VCF-style: chr20-419434-C-T.
Identifiers: ClinVar variation 1198205 (VCV001198205.12), dbSNP rs148037904, ClinGen allele CA9723471.
Genomic context (GRCh38, chr20:438,790, plus strand): 5'-TTTTGTTCGATCTTCAGGCCGCAGAAGTCCCCGAAACCGCTGCCGCAGCACCATATCAGG[C>T]CTCTGCTGGGCTGATGCCAGCTCAAAGTCTTTGAAAGTAGAGGCTGCCGTCCTGCAGGGG-3'
Protein context (NP_653229.1, residues 326-346): KDFELASAQQ[Arg336=]PDMVLRQRFR